The following is an entry in ClinVar:

NM_022455.5(NSD1):c.750AGC[1] (p.Ala252del)

Gene: NSD1 (nuclear receptor binding SET domain protein 1; plus strand). Cytogenetic location: 5q35.3.
Variant type: Microsatellite.
Coding change: c.750AGC[1] on transcript NM_022455.5 (MANE Select); one copy of the 3-base unit AGC starting at c.750; the reference has two copies in a row; one copy, 3 bases deleted; also written c.753_755del.
Protein change: p.Ala252del; deletes alanine 252.
Molecular consequence: inframe deletion. On other transcripts: inframe indel (2), intron variant (8).
Genome position (GRCh38, 1-based): chr5:177,135,856-177,135,858, AGC deleted; deleting any 3 consecutive bases within chr5:177,135,853-177,135,858 gives the same sequence; the position shown is the placement nearest the transcript's 3' end. VCF-style (leftmost placement, unchanged base first): chr5-177135852-AAGC-A. GRCh37 (hg19) VCF-style: chr5-176562853-AAGC-A.
Other names: c.753_755delAGC (NM_022455.4); c.753_755del (NM_022455.4); c.750AGC[1], p.Ala252del (NM_001409301.1, NM_001409302.1, NM_001409303.1); c.418-85_418-83del (NM_001409304.1); c.-36-85_-36-83del (NM_001409305.1, NM_001409306.1, NM_001409308.1 and 4 more transcripts); short protein forms A252del.
Identifiers: ClinVar variation 96076 (VCV000096076.16), dbSNP rs398124385, ClinGen allele CA223706.

ClinVar aggregate classification (germline): Conflicting classifications of pathogenicity. Review status: criteria provided, conflicting classifications (1 of 4 stars). 3 submissions from 3 submitters: Uncertain significance (2); Likely benign (1). Last evaluated 2025-10-14.

Submissions (3):

Labcorp Genetics (formerly Invitae), Labcorp
Classification: Uncertain significance. Last evaluated: 2025-10-14. Review status: criteria provided, single submitter. Criteria: Invitae Variant Classification Sherloc (09022015). Collection method: clinical testing. Allele origin: germline.
Comment: This variant, c.753_755del, results in the deletion of 1 amino acid(s) of the NSD1 protein (p.Ala252del), but otherwise preserves the integrity of the reading frame. This variant is present in population databases (rs775622159, gnomAD 0.04%). This variant has not been reported in the literature in individuals affected with NSD1-related conditions. ClinVar contains an entry for this variant (Variation ID: 96076). Experimental studies and prediction algorithms are not available or were not evaluated, and the functional significance of this variant is currently unknown. In summary, the available evidence is currently insufficient to determine the role of this variant in disease. Therefore, it has been classified as a Variant of Uncertain Significance.

GeneDx
Classification: Likely benign. Last evaluated: 2020-12-07. Review status: criteria provided, single submitter. Criteria: GeneDx Variant Classification Process June 2021. Collection method: clinical testing. Allele origin: germline. Affected: yes.

Eurofins Ntd Llc (ga)
Classification: Uncertain significance. Last evaluated: 2013-04-23. Review status: criteria provided, single submitter. Criteria: EGL Classification Definitions 2015. Collection method: clinical testing. Allele origin: germline. Observed: 4 variant alleles, 4 heterozygotes.